The following is an entry in ClinVar:

NM_017547.4(FOXRED1):c.824G>T (p.Arg275Leu)

Gene: FOXRED1 (FAD dependent oxidoreductase domain containing 1; plus strand). Cytogenetic location: 11q24.2.
Variant type: single nucleotide variant.
Coding change: c.824G>T on transcript NM_017547.4 (MANE Select); coding-DNA position 824, G replaced by T.
Protein change: p.Arg275Leu; replaces arginine 275 with leucine.
Molecular consequence: missense variant. On other transcripts: non-coding transcript variant (2).
Genome position (GRCh38, 1-based): chr11:126,276,072, G>T. VCF-style: chr11-126276072-G-T. GRCh37 (hg19) VCF-style: chr11-126145967-G-T.
Other names: c.854G>T, p.Arg285Leu (NM_001425160.1); c.824G>T, p.Arg275Leu (NM_001425161.1, NM_001425163.1, NM_001425165.1 and 1 more transcripts); c.821G>T, p.Arg274Leu (NM_001425164.1); c.722G>T, p.Arg241Leu (NM_001425167.1); c.314G>T, p.Arg105Leu (NM_001425168.1, NM_001425169.1, NM_001425170.1); c.263G>T, p.Arg88Leu (NM_001425171.1, NM_001425172.1); c.191G>T, p.Arg64Leu (NM_001425173.1, NM_001425174.1, NM_001425175.1); short protein forms R105L, R241L, R274L, R275L, R285L, R64L, R88L.
Identifiers: ClinVar variation 2662199 (VCV002662199.1), dbSNP rs760863038, ClinGen allele CA6354239.

ClinVar aggregate classification (germline): Uncertain significance (1 of 4 stars; one submission).

gnomAD v4.1: 41 of 1,612,788 alleles (0.0025%); highest among the groups gnomAD compares: Non-Finnish European, 0.0033%; no homozygotes.

Submission:

GeneDx
Classification: Uncertain significance. Last evaluated: 2023-04-14. Review status: criteria provided, single submitter. Criteria: GeneDx Variant Classification Process June 2021. Collection method: clinical testing. Allele origin: germline. Affected: yes.
Comment: Not observed at significant frequency in large population cohorts (gnomAD); In silico analysis supports that this missense variant has a deleterious effect on protein structure/function; Has not been previously published as pathogenic or benign to our knowledge